The following is an entry in ClinVar:

ClinVar aggregate classification (germline): Likely benign. Review status: criteria provided, multiple submitters, no conflicts (2 of 4 stars). 2 submissions from 2 submitters: Likely benign (2). Last evaluated 2018-06-16.

Allele frequency attached by ClinVar (database versions not stated): 1000 Genomes Project 30x 0.00297; 1000 Genomes Project 0.00359; TOPMed 0.00903; gnomAD 0.01101 and 0.01142; gnomAD exomes 0.01327.
gnomAD v4.1: 6,498 of 517,062 alleles (1.3%); highest among the groups gnomAD compares: Non-Finnish European, 1.8%; 70 homozygotes.

Submissions (2):

GeneDx
Classification: Likely benign. Last evaluated: 2018-06-16. Review status: criteria provided, single submitter. Criteria: GeneDx Variant Classification (06012015). Collection method: clinical testing. Allele origin: germline. Affected: yes.
Comment: This variant is considered likely benign or benign based on one or more of the following criteria: it is a conservative change, it occurs at a poorly conserved position in the protein, it is predicted to be benign by multiple in silico algorithms, and/or has population frequency not consistent with disease.

Breakthrough Genomics
Classification: Likely benign. Review status: criteria provided, single submitter. Criteria: ACMG Guidelines, 2015. Collection method: not provided. Allele origin: germline. Inheritance: Autosomal dominant inheritance. Affected: yes.

NM_001103.4(ACTN2):c.1515+221T>A

Gene: ACTN2 (actinin alpha 2; plus strand). Cytogenetic location: 1q43.
Variant type: single nucleotide variant.
Coding change: c.1515+221T>A on transcript NM_001103.4 (MANE Select); 221 bases into the intron after coding-DNA position 1515, T replaced by A.
Molecular consequence: intron variant.
Genome position (GRCh38, 1-based): chr1:236,747,996, T>A. VCF-style: chr1-236747996-T-A. GRCh37 (hg19) VCF-style: chr1-236911296-T-A.
Other names: c.891+221T>A (NM_001278344.2); c.1515+221T>A (NM_001278343.2).
Identifiers: ClinVar variation 679875 (VCV000679875.2), dbSNP rs74890470, ClinGen allele CA39733347.